The following is an entry in ClinVar:

NM_001005242.3(PKP2):c.516C>A (p.Ser172Arg)

Gene: PKP2 (plakophilin 2; minus strand). Cytogenetic location: 12p11.21.
Variant type: single nucleotide variant.
Coding change: c.516C>A on transcript NM_001005242.3 (MANE Select); coding-DNA position 516, C replaced by A.
Protein change: p.Ser172Arg; replaces serine 172 with arginine.
Molecular consequence: missense variant.
Genome position (GRCh38, 1-based): chr12:32,878,364, G>T on the plus strand (C>A on the coding strand, the complement: PKP2 is on the minus strand). VCF-style: chr12-32878364-G-T. GRCh37 (hg19) VCF-style: chr12-33031298-G-T.
Other names: c.516C>A, p.Ser172Arg (NM_004572.4); short protein forms S172R.
Identifiers: ClinVar variation 45082 (VCV000045082.6), dbSNP rs397517028, ClinGen allele CA012363.

ClinVar aggregate classification (germline): Uncertain significance. Review status: criteria provided, multiple submitters, no conflicts (2 of 4 stars). 2 submissions from 2 submitters: Uncertain significance (2). Last evaluated 2025-04-21.

Conditions:
Cardiomyopathy (CMYO). Also called: Cardiomyopathies. Identifiers: Orphanet 167848, MedGen C0878544, MONDO:0004994, HP:0001638. Inheritance: Various modes of inheritance.

Allele frequency attached by ClinVar (database versions not stated): gnomAD exomes 0.00001; ExAC 0.00002.
gnomAD v4.1: 3 of 1,613,756 alleles (0.00019%); highest among the groups gnomAD compares: Non-Finnish European, 0.00025%; no homozygotes.

Submissions (2):

Color Diagnostics, LLC DBA Color Health
Classification: Uncertain significance for Cardiomyopathy. Last evaluated: 2025-04-21. Review status: criteria provided, single submitter. Criteria: ACMG Guidelines, 2015. Collection method: clinical testing. Allele origin: germline.
Comment: This missense variant replaces serine with arginine at codon 172 of the PKP2 protein. Computational prediction suggests that this variant may not impact protein structure and function. To our knowledge, functional studies have not been reported for this variant. This variant has been reported in an individual affected with dilated cardiomyopathy (PMID: 24503780, 27532257). This variant has been identified in 2/251074 chromosomes in the general population by the Genome Aggregation Database (gnomAD). The available evidence is insufficient to determine the role of this variant in disease conclusively. Therefore, this variant is classified as a Variant of Uncertain Significance.

Laboratory for Molecular Medicine, Mass General Brigham Personalized Medicine
Classification: Uncertain significance. Last evaluated: 2018-04-27. Review status: criteria provided, single submitter. Criteria: LMM Criteria. Collection method: clinical testing. Allele origin: germline. Observed: 1 variant allele.
Comment: Variant classified as Uncertain Significance - Favor Benign. The p.Ser172Arg var iant has not been previously reported in individuals with ARVC, but has been ide ntified in 2/111518 European chromoses by the Genome Aggregation Database (gnomA D; dbSNP rs397517028). Computational predicti on tools and conservation analysis suggest that the p.Ser172Arg variant may not impact the protein, though this information is not predictive enough to rule out pathogenicity. In summary, while the clinical significance of the p.Ser172Arg v ariant is uncertain, these data suggest that it is more likely to be benign. ACM G/AMP Criteria applied: PM2; BP4.

Literature cited by the submitters: PubMed 24503780 (cited by Color Diagnostics, LLC DBA Color Health); PubMed 27532257 (cited by Color Diagnostics, LLC DBA Color Health).